The following is an entry in ClinVar:

ClinVar aggregate classification (germline): Uncertain significance (1 of 4 stars; one submission).

Submission:

GeneDx
Classification: Uncertain significance. Last evaluated: 2024-12-03. Review status: criteria provided, single submitter. Criteria: GeneDx Variant Classification Process June 2021. Collection method: clinical testing. Allele origin: germline. Affected: yes.
Comment: In silico analysis supports that this missense variant has a deleterious effect on protein structure/function; Has not been previously published as pathogenic or benign to our knowledge

NM_032482.3(DOT1L):c.212T>C (p.Met71Thr)

Gene: DOT1L (DOT1 like histone lysine methyltransferase; plus strand). Cytogenetic location: 19p13.3.
Variant type: single nucleotide variant.
Coding change: c.212T>C on transcript NM_032482.3 (MANE Select); coding-DNA position 212, T replaced by C.
Protein change: p.Met71Thr; replaces methionine 71 with threonine.
Molecular consequence: missense variant.
Genome position (GRCh38, 1-based): chr19:2,189,743, T>C. VCF-style: chr19-2189743-T-C. GRCh37 (hg19) VCF-style: chr19-2189742-T-C.
Other names: c.212T>C, p.Met71Thr (NM_001411141.1); short protein forms M71T.
Identifiers: ClinVar variation 3901311 (VCV003901311.1).